The following is an entry in ClinVar:

ClinVar aggregate classification (germline): Uncertain significance (1 of 4 stars; one submission).

Conditions:
Hereditary cancer-predisposing syndrome. Also called: Neoplastic Syndromes, Hereditary; Tumor predisposition; Hereditary Cancer Syndrome; Hereditary neoplastic syndrome. Identifiers: Orphanet 140162, MedGen C0027672, MeSH D009386, MONDO:0015356.

gnomAD v4.1: 1 of 1,613,610 alleles (0.000062%); highest among the groups gnomAD compares: South Asian, 0.0011%; no homozygotes.

Submission:

Color Diagnostics, LLC DBA Color Health
Classification: Uncertain significance for Hereditary cancer-predisposing syndrome. Last evaluated: 2024-03-06. Review status: criteria provided, single submitter. Criteria: ACMG Guidelines, 2015. Collection method: clinical testing. Allele origin: germline.
Comment: This missense variant replaces histidine with leucine at codon 1126 of the PALB2 protein. Computational prediction suggests that this variant may not impact protein structure and function (internally defined REVEL score threshold <= 0.5, PMID: 27666373). Splice site prediction tools suggest that this variant may not impact RNA splicing. To our knowledge, functional studies have not been reported for this variant. This variant has not been reported in individuals affected with hereditary cancer in the literature. This variant has not been identified in the general population by the Genome Aggregation Database (gnomAD). The available evidence is insufficient to determine the role of this variant in disease conclusively. Therefore, this variant is classified as a Variant of Uncertain Significance.

NM_024675.4(PALB2):c.3377A>T (p.His1126Leu)

Gene: PALB2 (partner and localizer of BRCA2; minus strand). Cytogenetic location: 16p12.2.
Variant type: single nucleotide variant.
Coding change: c.3377A>T on transcript NM_024675.4 (MANE Select); coding-DNA position 3377, A replaced by T.
Protein change: p.His1126Leu; replaces histidine 1126 with leucine.
Molecular consequence: missense variant.
Genome position (GRCh38, 1-based): chr16:23,603,643, T>A on the plus strand (A>T on the coding strand, the complement: PALB2 is on the minus strand). VCF-style: chr16-23603643-T-A. GRCh37 (hg19) VCF-style: chr16-23614964-T-A.
Other names: short protein forms H1126L.
Identifiers: ClinVar variation 923632 (VCV000923632.4), dbSNP rs752373316, ClinGen allele CA395138309.